The following is an entry in ClinVar:

ClinVar aggregate classification (germline): Uncertain significance. Review status: criteria provided, multiple submitters, no conflicts (2 of 4 stars). 2 submissions from 2 submitters: Uncertain significance (2). Last evaluated 2024-10-12.

Conditions:
Erythrocytosis, familial, 3 (ECYT3). Identifiers: Orphanet 247511, MedGen C1853286, MONDO:0012353, OMIM 609820.

Submissions (2):

Ambry Genetics
Classification: Uncertain significance. Last evaluated: 2024-10-12. Review status: criteria provided, single submitter. Criteria: Ambry Variant Classification Scheme 2023. Collection method: clinical testing. Allele origin: germline.
Comment: The p.I327T variant (also known as c.980T>C), located in coding exon 2 of the EGLN1 gene, results from a T to C substitution at nucleotide position 980. The isoleucine at codon 327 is replaced by threonine, an amino acid with similar properties. This amino acid position is highly conserved in available vertebrate species. In addition, this alteration is predicted to be deleterious by in silico analysis. Since supporting evidence is limited at this time, the clinical significance of this alteration remains unclear.

Labcorp Genetics (formerly Invitae), Labcorp
Classification: Uncertain significance for Erythrocytosis, familial, 3. Last evaluated: 2022-07-12. Review status: criteria provided, single submitter. Criteria: Invitae Variant Classification Sherloc (09022015). Collection method: clinical testing. Allele origin: germline.
Comment: In summary, the available evidence is currently insufficient to determine the role of this variant in disease. Therefore, it has been classified as a Variant of Uncertain Significance. Algorithms developed to predict the effect of missense changes on protein structure and function (SIFT, PolyPhen-2, Align-GVGD) all suggest that this variant is likely to be disruptive. ClinVar contains an entry for this variant (Variation ID: 1415123). This variant has not been reported in the literature in individuals affected with EGLN1-related conditions. This variant is not present in population databases (gnomAD no frequency). This sequence change replaces isoleucine, which is neutral and non-polar, with threonine, which is neutral and polar, at codon 327 of the EGLN1 protein (p.Ile327Thr).

NM_022051.3(EGLN1):c.980T>C (p.Ile327Thr)

Gene: EGLN1 (egl-9 family hypoxia inducible factor 1; minus strand). Cytogenetic location: 1q42.2.
Variant type: single nucleotide variant.
Coding change: c.980T>C on transcript NM_022051.3 (MANE Select); coding-DNA position 980, T replaced by C.
Protein change: p.Ile327Thr; replaces isoleucine 327 with threonine.
Molecular consequence: missense variant.
Genome position (GRCh38, 1-based): chr1:231,374,011, A>G on the plus strand (T>C on the coding strand, the complement: EGLN1 is on the minus strand). VCF-style: chr1-231374011-A-G. GRCh37 (hg19) VCF-style: chr1-231509757-A-G.
Other names: c.980T>C, p.Ile327Thr (NM_001377260.1, NM_001377261.1); short protein forms I327T.
Identifiers: ClinVar variation 1415123 (VCV001415123.9), dbSNP rs2102898186, ClinGen allele CA345241358.
Genomic context (GRCh38, chr1:231,374,011, plus strand): 5'-AAAAATAAATGCTCAATTAAGTTGCATACCTTGGCATCCCAGTCTTTATTAAGATAATAT[A>G]TACATGTCACACATCTTCCATCTCCATTTGGATTATCAACATGACGTACATAACCCGTTC-3'
Protein context (NP_071334.1, residues 317-337): PNGDGRCVTC[Ile327Thr]YYLNKDWDAK